The following is an entry in ClinVar:

ClinVar aggregate classification (germline): Likely benign (1 of 4 stars; one submission).

gnomAD v4.1: 16 of 1,613,944 alleles (0.00099%); highest among the groups gnomAD compares: Admixed American, 0.02%; no homozygotes.

Submission:

CeGaT Center for Human Genetics Tuebingen
Classification: Likely benign. Last evaluated: 2026-07-01. Review status: criteria provided, single submitter. Criteria: CeGaT Center For Human Genetics Tuebingen Variant Classification Criteria Version 2. Collection method: clinical testing. Allele origin: germline. Affected: yes. Observed: 1 variant allele.
Comment: MACF1: BP4, BP7

NM_001394062.1(MACF1):c.1500G>A (p.Leu500=)

Gene: MACF1 (microtubule actin crosslinking factor 1; plus strand). Cytogenetic location: 1p34.3.
Variant type: single nucleotide variant.
Coding change: c.1500G>A on transcript NM_001394062.1 (MANE Select); coding-DNA position 1500, G replaced by A.
Protein change: p.Leu500=; no amino-acid change (leucine 500 retained).
Molecular consequence: synonymous variant.
Genome position (GRCh38, 1-based): chr1:39,285,750, G>A. VCF-style: chr1-39285750-G-A. GRCh37 (hg19) VCF-style: chr1-39751422-G-A.
Other names: c.1515G>A, p.Leu505= (NM_012090.5).
Identifiers: ClinVar variation 5038833 (VCV005038833.1).